The following is an entry in ClinVar:

ClinVar aggregate classification (germline): Uncertain significance (1 of 4 stars; one submission).

Conditions:
Psoriasis 2. Identifiers: MedGen C1864497, MONDO:0011269, OMIM 602723.
Pityriasis rubra pilaris (PRP). Also called: Pityriasis rubra pilaris--familial type. Identifiers: Orphanet 2897, MedGen C0032027, MONDO:0100017, OMIM 173200, MONDO:0008251.

Allele frequency attached by ClinVar (database versions not stated): gnomAD exomes below 0.00001; TOPMed below 0.00001.

Submission:

Labcorp Genetics (formerly Invitae), Labcorp
Classification: Uncertain significance for Pityriasis rubra pilaris; Psoriasis 2. Last evaluated: 2023-03-18. Review status: criteria provided, single submitter. Criteria: Invitae Variant Classification Sherloc (09022015). Collection method: clinical testing. Allele origin: germline.
Comment: This sequence change falls in intron 15 of the CARD14 gene. It does not directly change the encoded amino acid sequence of the CARD14 protein. This variant is not present in population databases (gnomAD no frequency). In summary, the available evidence is currently insufficient to determine the role of this variant in disease. Therefore, it has been classified as a Variant of Uncertain Significance. Experimental studies and prediction algorithms are not available or were not evaluated, and the effect of this variant on mRNA splicing is currently unknown. This variant has not been reported in the literature in individuals affected with CARD14-related conditions.

NM_001366385.1(CARD14):c.2220-3_2220-2dup

Genes: SGSH (N-sulfoglucosamine sulfohydrolase; minus strand), CARD14 (caspase recruitment domain family member 14; plus strand). Cytogenetic location: 17q25.3.
Variant type: Duplication.
Coding change: c.2220-3_2220-2dup on transcript NM_001366385.1 (MANE Select); 3 bases into the intron before coding-DNA position 2220 through the canonical splice acceptor site of the intron before coding-DNA position 2220, 2 bases duplicated (CA; older notation c.2220-3_2220-2dupCA).
Molecular consequence: splice acceptor variant.
Genome position (GRCh38, 1-based): chr17:80,203,819-80,203,820, CA duplicated. VCF-style (leftmost placement, unchanged base first): chr17-80203818-G-GCA. GRCh37 (hg19) VCF-style: chr17-78177617-G-GCA.
Other names: c.2220-3_2220-2dup (NM_024110.4).
Identifiers: ClinVar variation 2938474 (VCV002938474.3), dbSNP rs2041123174, ClinGen allele CA2277858911.